The following is an entry in ClinVar:

ClinVar aggregate classification (germline): Uncertain significance. Review status: criteria provided, multiple submitters, no conflicts (2 of 4 stars). 2 submissions from 2 submitters: Uncertain significance (2). Last evaluated 2024-10-05.

Allele frequency attached by ClinVar (database versions not stated): gnomAD exomes 0.00001; gnomAD 0.00002; TOPMed 0.00006.
gnomAD v4.1: 13 of 1,613,498 alleles (0.00081%); highest among the groups gnomAD compares: Admixed American, 0.01%; no homozygotes.

Submissions (2):

Ambry Genetics
Classification: Uncertain significance. Last evaluated: 2024-10-05. Review status: criteria provided, single submitter. Criteria: Ambry Variant Classification Scheme 2023. Collection method: clinical testing. Allele origin: germline.
Comment: The p.E111K variant (also known as c.331G>A), located in coding exon 4 of the RINT1 gene, results from a G to A substitution at nucleotide position 331. The glutamic acid at codon 111 is replaced by lysine, an amino acid with similar properties. This amino acid position is well conserved in available vertebrate species. In addition, this alteration is predicted to be tolerated by in silico analysis. The evidence for this gene-disease relationship is limited; therefore, the clinical significance of this alteration is unclear.

Labcorp Genetics (formerly Invitae), Labcorp
Classification: Uncertain significance. Last evaluated: 2023-10-24. Review status: criteria provided, single submitter. Criteria: Invitae Variant Classification Sherloc (09022015). Collection method: clinical testing. Allele origin: germline.
Comment: This sequence change replaces glutamic acid, which is acidic and polar, with lysine, which is basic and polar, at codon 111 of the RINT1 protein (p.Glu111Lys). This variant is present in population databases (rs761501745, gnomAD 0.01%). This variant has not been reported in the literature in individuals affected with RINT1-related conditions. Algorithms developed to predict the effect of missense changes on protein structure and function output the following: SIFT: "Not Available"; PolyPhen-2: "Benign"; Align-GVGD: "Not Available". The lysine amino acid residue is found in multiple mammalian species, which suggests that this missense change does not adversely affect protein function. In summary, the available evidence is currently insufficient to determine the role of this variant in disease. Therefore, it has been classified as a Variant of Uncertain Significance.

NM_021930.6(RINT1):c.331G>A (p.Glu111Lys)

Gene: RINT1 (RAD50 interactor 1; plus strand). Cytogenetic location: 7q22.3.
Variant type: single nucleotide variant.
Coding change: c.331G>A on transcript NM_021930.6 (MANE Select); coding-DNA position 331, G replaced by A.
Protein change: p.Glu111Lys; replaces glutamic acid 111 with lysine.
Molecular consequence: missense variant. On other transcripts: 5 prime UTR variant (3), non-coding transcript variant (1).
Genome position (GRCh38, 1-based): chr7:105,542,465, G>A. VCF-style: chr7-105542465-G-A. GRCh37 (hg19) VCF-style: chr7-105182912-G-A.
Other names: c.331G>A (NM_021930.4); c.97G>A, p.Glu33Lys (NM_001346599.2); c.-689G>A (NM_001346600.2); c.-592G>A (NM_001346601.2); c.-212G>A (NM_001346603.2); short protein forms E111K, E33K.
Identifiers: ClinVar variation 2903174 (VCV002903174.4), dbSNP rs761501745, ClinGen allele CA164048608.